The following is an entry in ClinVar:

ClinVar aggregate classification (germline): Uncertain significance (1 of 4 stars; one submission).

Submission:

Labcorp Genetics (formerly Invitae), Labcorp
Classification: Uncertain significance. Last evaluated: 2021-08-23. Review status: criteria provided, single submitter. Criteria: Invitae Variant Classification Sherloc (09022015). Collection method: clinical testing. Allele origin: germline.
Comment: In summary, the available evidence is currently insufficient to determine the role of this variant in disease. Therefore, it has been classified as a Variant of Uncertain Significance. Algorithms developed to predict the effect of missense changes on protein structure and function are either unavailable or do not agree on the potential impact of this missense change (SIFT: "Not Available"; PolyPhen-2: "Benign"; Align-GVGD: "Not Available"). This variant has not been reported in the literature in individuals affected with FZD4-related conditions. The frequency data for this variant in the population databases is not available, as this variant may be reported as separate entries in the ExAC database. This sequence change replaces glycine with valine at codon 38 of the FZD4 protein (p.Gly38Val). The glycine residue is highly conserved and there is a moderate physicochemical difference between glycine and valine.

NM_012193.4(FZD4):c.113_114delinsTC (p.Gly38Val)

Gene: FZD4 (frizzled class receptor 4; minus strand). Cytogenetic location: 11q14.2.
Variant type: Indel.
Coding change: c.113_114delinsTC on transcript NM_012193.4 (MANE Select); coding-DNA positions 113 to 114, GG replaced by TC.
Protein change: p.Gly38Val; replaces glycine 38 with valine.
Molecular consequence: missense variant.
Genome position (GRCh38, 1-based): chr11:86,954,972-86,954,973, CC replaced by GA on the plus strand (GG replaced by TC on the coding strand, the reverse complement: FZD4 is on the minus strand). VCF-style: chr11-86954972-CC-GA. GRCh37 (hg19) VCF-style: chr11-86666014-CC-GA.
Other names: short protein forms G38V.
Identifiers: ClinVar variation 1421033 (VCV001421033.6), dbSNP rs2135045410, ClinGen allele CA2573147791.
Genomic context (GRCh38, chr11:86,954,972, plus strand): 5'-GTAGCCGAGGTTCTGGCACATGGAGATGCGGATGGGGTCGCAGCGCCGCTCTTCCTCGTC[CC>GA]CGAAGCCCCGCGCCGGCCCCAGGAGCAGCAGCAACTGCAGGAGCAACCCCAGACTGAGAC-3'
Protein context (NP_036325.2, residues 28-48): LLLLGPARGF[Gly38Val]DEEERRCDPI